The following is an entry in ClinVar:

ClinVar aggregate classification (germline): Uncertain significance. Review status: criteria provided, multiple submitters, no conflicts (2 of 4 stars). 2 submissions from 2 submitters: Uncertain significance (2). Last evaluated 2026-08-01.

Conditions:
Carnitine palmitoyltransferase II deficiency. Also called: Carnitine Palmitoyltransferase 2 Deficiency. Identifiers: Orphanet 157, MedGen C0342790, MONDO:0015515.

gnomAD v4.1: 4 of 1,610,452 alleles (0.00025%); highest among the groups gnomAD compares: Non-Finnish European, 0.00034%; no homozygotes.

Submissions (2):

CeGaT Center for Human Genetics Tuebingen
Classification: Uncertain significance. Last evaluated: 2026-08-01. Review status: criteria provided, single submitter. Criteria: CeGaT Center For Human Genetics Tuebingen Variant Classification Criteria Version 2. Collection method: clinical testing. Allele origin: germline. Affected: yes. Observed: 1 variant allele.
Comment: CPT2: PM2

Labcorp Genetics (formerly Invitae), Labcorp
Classification: Uncertain significance for Carnitine palmitoyltransferase II deficiency. Last evaluated: 2024-09-20. Review status: criteria provided, single submitter. Criteria: Invitae Variant Classification Sherloc (09022015). Collection method: clinical testing. Allele origin: germline.
Comment: This sequence change replaces proline, which is neutral and non-polar, with histidine, which is basic and polar, at codon 520 of the CPT2 protein (p.Pro520His). This variant is present in population databases (no rsID available, gnomAD 0.007%). This variant has not been reported in the literature in individuals affected with CPT2-related conditions. Invitae Evidence Modeling of protein sequence and biophysical properties (such as structural, functional, and spatial information, amino acid conservation, physicochemical variation, residue mobility, and thermodynamic stability) indicates that this missense variant is not expected to disrupt CPT2 protein function with a negative predictive value of 80%. In summary, the available evidence is currently insufficient to determine the role of this variant in disease. Therefore, it has been classified as a Variant of Uncertain Significance.

NM_000098.3(CPT2):c.1559C>A (p.Pro520His)

Gene: CPT2 (carnitine palmitoyltransferase 2; plus strand). Cytogenetic location: 1p32.3.
Variant type: single nucleotide variant.
Coding change: c.1559C>A on transcript NM_000098.3 (MANE Select); coding-DNA position 1559, C replaced by A.
Protein change: p.Pro520His; replaces proline 520 with histidine.
Molecular consequence: missense variant.
Genome position (GRCh38, 1-based): chr1:53,211,233, C>A. VCF-style: chr1-53211233-C-A. GRCh37 (hg19) VCF-style: chr1-53676905-C-A.
Other names: c.1559C>A, p.Pro520His (NM_001330589.2); short protein forms P520H.
Identifiers: ClinVar variation 3604816 (VCV003604816.2).